The following is an entry in ClinVar:

NM_004444.5(EPHB4):c.1575G>C (p.Gln525His)

Gene: EPHB4 (EPH receptor B4; minus strand). Cytogenetic location: 7q22.1.
Variant type: single nucleotide variant.
Coding change: c.1575G>C on transcript NM_004444.5 (MANE Select); coding-DNA position 1575, G replaced by C.
Protein change: p.Gln525His; replaces glutamine 525 with histidine.
Molecular consequence: missense variant.
Genome position (GRCh38, 1-based): chr7:100,817,205, C>G on the plus strand (G>C on the coding strand, the complement: EPHB4 is on the minus strand). VCF-style: chr7-100817205-C-G. GRCh37 (hg19) VCF-style: chr7-100414827-C-G.
Other names: c.1575G>C (NM_004444.4); short protein forms Q525H.
Identifiers: ClinVar variation 3626479 (VCV003626479.3).

ClinVar aggregate classification (germline): Uncertain significance. Review status: criteria provided, multiple submitters, no conflicts (2 of 4 stars). 2 submissions from 2 submitters: Uncertain significance (2). Last evaluated 2026-07-21.

Conditions:
Cardiovascular phenotype. Identifiers: MedGen CN230736.

gnomAD v4.1: 2 of 1,572,176 alleles (0.00013%); highest among the groups gnomAD compares: African/African-American, 0.0014%; no homozygotes.

Submissions (2):

Ambry Genetics
Classification: Uncertain significance for Cardiovascular phenotype. Last evaluated: 2026-07-21. Review status: criteria provided, single submitter. Criteria: Ambry Variant Classification Scheme 2023. Collection method: clinical testing. Allele origin: germline.
Comment: The p.Q525H variant (also known as c.1575G>C), located in coding exon 8 of the EPHB4 gene, results from a G to C substitution at nucleotide position 1575. The glutamine at codon 525 is replaced by histidine, an amino acid with highly similar properties. This amino acid position is conserved. In addition, this alteration is predicted to be tolerated by in silico analysis. Based on the available evidence, the clinical significance of this variant remains unclear.

Labcorp Genetics (formerly Invitae), Labcorp
Classification: Uncertain significance. Last evaluated: 2024-10-24. Review status: criteria provided, single submitter. Criteria: Invitae Variant Classification Sherloc (09022015). Collection method: clinical testing. Allele origin: germline.
Comment: This sequence change replaces glutamine, which is neutral and polar, with histidine, which is basic and polar, at codon 525 of the EPHB4 protein (p.Gln525His). This variant is not present in population databases (gnomAD no frequency). This variant has not been reported in the literature in individuals affected with EPHB4-related conditions. Invitae Evidence Modeling of protein sequence and biophysical properties (such as structural, functional, and spatial information, amino acid conservation, physicochemical variation, residue mobility, and thermodynamic stability) indicates that this missense variant is not expected to disrupt EPHB4 protein function with a negative predictive value of 95%. In summary, the available evidence is currently insufficient to determine the role of this variant in disease. Therefore, it has been classified as a Variant of Uncertain Significance.